The following is an entry in ClinVar:

ClinVar aggregate classification (germline): Likely benign (1 of 4 stars; one submission).

Submission:

CeGaT Center for Human Genetics Tuebingen
Classification: Likely benign. Last evaluated: 2026-05-01. Review status: criteria provided, single submitter. Criteria: CeGaT Center For Human Genetics Tuebingen Variant Classification Criteria Version 2. Collection method: clinical testing. Allele origin: germline. Affected: yes. Observed: 1 variant allele.
Comment: PPP2R5D: BP4

NM_006245.4(PPP2R5D):c.-3G>A

Genes: PPP2R5D (protein phosphatase 2 regulatory subunit B'delta; plus strand), LOC129996483 (ATAC-STARR-seq lymphoblastoid silent region 17211; plus strand). Cytogenetic location: 6p21.1.
Variant type: single nucleotide variant.
Coding change: c.-3G>A on transcript NM_006245.4 (MANE Select); 3 bases upstream of the start codon, G replaced by A.
Molecular consequence: 5 prime UTR variant.
Genome position (GRCh38, 1-based): chr6:42,984,675, G>A. VCF-style: chr6-42984675-G-A. GRCh37 (hg19) VCF-style: chr6-42952413-G-A.
Other names: c.-473G>A (NM_001270476.2); c.-3G>A (NM_180976.3, NM_180977.3).
Identifiers: ClinVar variation 4874924 (VCV004874924.2).